The following is an entry in ClinVar:

NM_012144.4(DNAI1):c.1987C>T (p.Arg663Cys)

Gene: DNAI1 (dynein axonemal intermediate chain 1; plus strand). Cytogenetic location: 9p13.3.
Variant type: single nucleotide variant.
Coding change: c.1987C>T on transcript NM_012144.4 (MANE Select); coding-DNA position 1987, C replaced by T.
Protein change: p.Arg663Cys; replaces arginine 663 with cysteine.
Molecular consequence: missense variant.
Genome position (GRCh38, 1-based): chr9:34,517,453, C>T. VCF-style: chr9-34517453-C-T. GRCh37 (hg19) VCF-style: chr9-34517451-C-T.
Other names: c.1999C>T, p.Arg667Cys (NM_001281428.2); short protein forms R663C, R667C.
Identifiers: ClinVar variation 551000 (VCV000551000.4), dbSNP rs564706097, ClinGen allele CA5034594.

ClinVar aggregate classification (germline): Uncertain significance. Review status: criteria provided, single submitter (1 of 4 stars). 2 submissions from 2 submitters: Uncertain significance (1). 1 of the submissions does not count toward it. Last evaluated 2016-03-25.

Conditions:
Kartagener syndrome (CILD1). Also called: IMMOTILE CILIA SYNDROME; POLYNESIAN BRONCHIECTASIS; Dextrocardia bronchiectasis and sinusitis; CILIARY DYSKINESIA, PRIMARY, 1; CILIARY DYSKINESIA, PRIMARY, 1, WITH OR WITHOUT SITUS INVERSUS; SIEWERT SYNDROME. Identifiers: Orphanet 244, MedGen C4551906, MONDO:0009484, OMIM 244400.
Primary ciliary dyskinesia. Also called: Ciliary dyskinesia. Identifiers: Orphanet 244, MedGen C0008780, MONDO:0016575, HP:0012265.

Allele frequency attached by ClinVar (database versions not stated): ExAC 0.00002; gnomAD 0.00002; TOPMed 0.00002; gnomAD exomes 0.00003.
gnomAD v4.1: 38 of 1,614,048 alleles (0.0024%); highest among the groups gnomAD compares: Middle Eastern, 0.016%; 1 homozygote.

Submissions (2):

Ambry Genetics
Classification: Uncertain significance for Primary ciliary dyskinesia. Last evaluated: 2016-03-25. Review status: criteria provided, single submitter. Criteria: Ambry Variant Classification Scheme 2023. Collection method: clinical testing. Allele origin: germline.
Comment: The p.R663C variant (also known as c.1987C>T), located in coding exon 19 of the DNAI1 gene, results from a C to T substitution at nucleotide position 1987. The arginine at codon 663 is replaced by cysteine, an amino acid with highly dissimilar properties. This variant was detected in three men with idiopathic isolated asthenozoospermia; a second DNAI1 variant was not detected in these individuals (Zuccarello D, Hum. Reprod. 2008 Aug; 23(8):1957-62). This variant was not reported in population based cohorts in the following databases: Database of Single Nucleotide Polymorphisms (dbSNP), NHLBI Exome Sequencing Project (ESP), and 1000 Genomes Project. In the ESP, this variant was not observed in 6503 samples (13006 alleles) with coverage at this position. This amino acid position is highly conserved in available vertebrate species. In addition, this alteration is predicted to be deleterious by in silico analysis. Since supporting evidence is limited at this time, the clinical significance of this variant remains unclear.

Counsyl
Classification: Uncertain significance for Kartagener syndrome. Last evaluated: 2017-03-24. Review status: no assertion criteria provided. Collection method: clinical testing. Allele origin: unknown. Not counted in ClinVar's aggregate classification.

Literature cited by the submitters: PubMed 18492703 (cited by Ambry Genetics).